The following is an entry in ClinVar:

ClinVar aggregate classification (germline): Benign/Likely benign. Review status: criteria provided, multiple submitters, no conflicts (2 of 4 stars). 7 submissions from 6 submitters: Benign (4); Likely benign (3). Last evaluated 2026-06-01.

Conditions:
Autosomal dominant nonsyndromic hearing loss 20. Identifiers: Orphanet 90635, MedGen C1858172, MONDO:0011480, OMIM 604717.
Baraitser-winter syndrome 2. Identifiers: Orphanet 2995, MedGen C3281235, MONDO:0013812, OMIM 614583.

Allele frequency attached by ClinVar (database versions not stated): gnomAD 0.00003; TOPMed 0.00010; 1000 Genomes Project 30x 0.00047; 1000 Genomes Project 0.00060.
gnomAD v4.1: 140 of 1,614,058 alleles (0.0087%); highest among the groups gnomAD compares: Admixed American, 0.15%; no homozygotes.

Submissions (7):

CeGaT Center for Human Genetics Tuebingen
Classification: Likely benign. Last evaluated: 2026-06-01. Review status: criteria provided, single submitter. Criteria: CeGaT Center For Human Genetics Tuebingen Variant Classification Criteria Version 2. Collection method: clinical testing. Allele origin: germline. Affected: yes. Observed: 1 variant allele.
Comment: ACTG1: BP4, BP7

Labcorp Genetics (formerly Invitae), Labcorp
Classification: Benign for Baraitser-winter syndrome 2; Autosomal dominant nonsyndromic hearing loss 20. Last evaluated: 2026-01-15. Review status: criteria provided, single submitter. Criteria: Invitae Variant Classification Sherloc (09022015). Collection method: clinical testing. Allele origin: germline.

Blueprint Genetics
Classification: Likely benign. Last evaluated: 2024-10-03. Review status: criteria provided, single submitter. Criteria: ACMG Guidelines, 2015. Collection method: clinical testing. Allele origin: germline.

Genome-Nilou Lab
Classification: Benign for Baraitser-winter syndrome 2. Last evaluated: 2021-12-05. Review status: criteria provided, single submitter. Criteria: ACMG Guidelines, 2015. Collection method: clinical testing. Allele origin: germline. Affected: no.

Genome-Nilou Lab
Classification: Benign for Autosomal dominant nonsyndromic hearing loss 20. Last evaluated: 2021-12-05. Review status: criteria provided, single submitter. Criteria: ACMG Guidelines, 2015. Collection method: clinical testing. Allele origin: germline. Affected: no.

GeneDx
Classification: Benign. Last evaluated: 2018-12-14. Review status: criteria provided, single submitter. Criteria: GeneDx Variant Classification Process June 2021. Collection method: clinical testing. Allele origin: germline. Affected: yes.

Laboratory for Molecular Medicine, Mass General Brigham Personalized Medicine
Classification: Likely benign. Last evaluated: 2014-01-09. Review status: criteria provided, single submitter. Criteria: LMM Criteria. Collection method: clinical testing. Allele origin: germline. Observed: 2 variant alleles.
Comment: Thr303Thr in Exon 5 of ACTG1: This variant is not expected to have clinical sign ificance because it does not alter an amino acid residue and is not located with in the splice consensus sequence. It has been identified in 0.04% (1/2178) of ch romosomes by the 1000 Genomes Project (dbSNP rs187127467).

NM_001614.5(ACTG1):c.909C>T (p.Thr303=)

Gene: ACTG1 (actin gamma 1; minus strand). Cytogenetic location: 17q25.3.
Variant type: single nucleotide variant.
Coding change: c.909C>T on transcript NM_001614.5 (MANE Select); coding-DNA position 909, C replaced by T.
Protein change: p.Thr303=; no amino-acid change (threonine 303 retained).
Molecular consequence: synonymous variant. On other transcripts: non-coding transcript variant (1).
Genome position (GRCh38, 1-based): chr17:81,511,002, G>A on the plus strand (C>T on the coding strand, the complement: ACTG1 is on the minus strand). VCF-style: chr17-81511002-G-A. GRCh37 (hg19) VCF-style: chr17-79478028-G-A.
Other names: c.909C>T, p.Thr303= (NM_001199954.3).
Identifiers: ClinVar variation 162713 (VCV000162713.19), dbSNP rs187127467, ClinGen allele CA175196.